The following is an entry in ClinVar:

NM_000245.4(MET):c.2730+8T>C

Gene: MET (MET proto-oncogene, receptor tyrosine kinase; plus strand). Cytogenetic location: 7q31.2.
Variant type: single nucleotide variant.
Coding change: c.2730+8T>C on transcript NM_000245.4 (MANE Select); 8 bases into the intron after coding-DNA position 2730, T replaced by C.
Molecular consequence: intron variant. On other transcripts: missense variant (1).
Genome position (GRCh38, 1-based): chr7:116,769,799, T>C. VCF-style: chr7-116769799-T-C. GRCh37 (hg19) VCF-style: chr7-116409853-T-C.
Other names: c.2738T>C, p.Phe913Ser (NM_001324401.3); c.2784+8T>C (NM_001127500.3); c.1440+8T>C (NM_001324402.2); short protein forms F913S.
Identifiers: ClinVar variation 2032129 (VCV002032129.5), dbSNP rs2485768319, ClinGen allele CA368985946.

ClinVar aggregate classification (germline): Likely benign. Review status: criteria provided, multiple submitters, no conflicts (2 of 4 stars). 2 submissions from 2 submitters: Likely benign (2). Last evaluated 2024-11-12.

Conditions:
Renal cell carcinoma. Identifiers: Orphanet 217071, MedGen C0007134, MeSH D002292, MONDO:0005086, HP:0005584.
Papillary renal cell carcinoma type 1 (RCCP1). Also called: Renal adenocarcinoma; Renal cell carcinoma 1; Renal cell carcinoma, somatic; RENAL CELL CARCINOMA, PAPILLARY, 1, SOMATIC. Identifiers: Orphanet 47044, MedGen C1336839, OMIM 605074, HP:0011797.

Allele frequency attached by ClinVar (database versions not stated): gnomAD exomes below 0.00001.
gnomAD v4.1: 1 of 1,613,658 alleles (0.000062%); highest among the groups gnomAD compares: Non-Finnish European, 0.000085%; no homozygotes.

Submissions (2):

Myriad Genetics, Inc.
Classification: Likely benign for Papillary renal cell carcinoma type 1. Last evaluated: 2024-11-12. Review status: criteria provided, single submitter. Criteria: Myriad Autosomal Dominant, Autosomal Recessive and X-Linked Classification Criteria (2023). Collection method: clinical testing. Allele origin: unknown.
Comment: This variant is considered likely benign. This variant is intronic and is not expected to impact mRNA splicing.

Labcorp Genetics (formerly Invitae), Labcorp
Classification: Likely benign for Renal cell carcinoma. Last evaluated: 2022-09-23. Review status: criteria provided, single submitter. Criteria: Invitae Variant Classification Sherloc (09022015). Collection method: clinical testing. Allele origin: germline.